The following is an entry in ClinVar:

NM_002227.4(JAK1):c.1658A>C (p.Asn553Thr)

Gene: JAK1 (Janus kinase 1; minus strand). Cytogenetic location: 1p31.3.
Variant type: single nucleotide variant.
Coding change: c.1658A>C on transcript NM_002227.4 (MANE Select); coding-DNA position 1658, A replaced by C.
Protein change: p.Asn553Thr; replaces asparagine 553 with threonine.
Molecular consequence: missense variant.
Genome position (GRCh38, 1-based): chr1:64,850,901, T>G on the plus strand (A>C on the coding strand, the complement: JAK1 is on the minus strand). VCF-style: chr1-64850901-T-G. GRCh37 (hg19) VCF-style: chr1-65316584-T-G.
Other names: c.1658A>C, p.Asn553Thr (NM_001321855.2, NM_001321856.2, NM_001320923.2 and 3 more transcripts); c.1655A>C, p.Asn552Thr (NM_001321857.2); short protein forms N553T, N552T.
Identifiers: ClinVar variation 2968402 (VCV002968402.3), dbSNP rs776855575, ClinGen allele CA892867.

ClinVar aggregate classification (germline): Uncertain significance (1 of 4 stars; one submission).

Allele frequency attached by ClinVar (database versions not stated): gnomAD 0.00001; gnomAD exomes 0.00001; ExAC 0.00001; TOPMed 0.00002.
gnomAD v4.1: 10 of 1,612,320 alleles (0.00062%); highest among the groups gnomAD compares: African/African-American, 0.0027%; no homozygotes.

Submission:

Labcorp Genetics (formerly Invitae), Labcorp
Classification: Uncertain significance. Last evaluated: 2025-11-10. Review status: criteria provided, single submitter. Criteria: Invitae Variant Classification Sherloc (09022015). Collection method: clinical testing. Allele origin: germline.
Comment: This sequence change replaces asparagine, which is neutral and polar, with threonine, which is neutral and polar, at codon 553 of the JAK1 protein (p.Asn553Thr). This variant is present in population databases (rs776855575, gnomAD 0.007%). This variant has not been reported in the literature in individuals affected with JAK1-related conditions. ClinVar contains an entry for this variant (Variation ID: 2968402). Invitae Evidence Modeling of protein sequence and biophysical properties (such as structural, functional, and spatial information, amino acid conservation, physicochemical variation, residue mobility, and thermodynamic stability) indicates that this missense variant is expected to disrupt JAK1 protein function with a positive predictive value of 80%. In summary, the available evidence is currently insufficient to determine the role of this variant in disease. Therefore, it has been classified as a Variant of Uncertain Significance.